The following is an entry in ClinVar:

ClinVar aggregate classification (germline): Likely benign. Review status: criteria provided, multiple submitters, no conflicts (2 of 4 stars). 3 submissions from 3 submitters: Likely benign (3). Last evaluated 2026-01-26.

Conditions:
VCL-related disorder. Also called: VCL-related condition.
Dilated cardiomyopathy 1W (CMD1W). Identifiers: Orphanet 154, MedGen C1969639, MONDO:0012667, OMIM 611407.
Cardiovascular phenotype. Identifiers: MedGen CN230736.

Allele frequency attached by ClinVar (database versions not stated): gnomAD exomes below 0.00001 and 0.00001; ExAC 0.00001; gnomAD 0.00007 and 0.00009; ESP Exome Variant Server 0.00008; TOPMed 0.00008.
gnomAD v4.1: 16 of 1,614,080 alleles (0.00099%); highest among the groups gnomAD compares: African/African-American, 0.019%; no homozygotes.

Submissions (3):

PreventionGenetics, part of Exact Sciences
Classification: Likely benign for VCL-related condition. Last evaluated: 2026-01-26. Review status: criteria provided, single submitter. Criteria: ACMG Guidelines, 2015. Collection method: clinical testing. Allele origin: germline.
Comment: This variant is classified as likely benign based on ACMG/AMP sequence variant interpretation guidelines (Richards et al. 2015 PMID: 25741868, with internal and published modifications).

Labcorp Genetics (formerly Invitae), Labcorp
Classification: Likely benign for Dilated cardiomyopathy 1W. Last evaluated: 2026-01-24. Review status: criteria provided, single submitter. Criteria: Invitae Variant Classification Sherloc (09022015). Collection method: clinical testing. Allele origin: germline.

Ambry Genetics
Classification: Likely benign for Cardiovascular phenotype. Last evaluated: 2020-09-04. Review status: criteria provided, single submitter. Criteria: Ambry Variant Classification Scheme 2023. Collection method: clinical testing. Allele origin: germline.

NM_014000.3(VCL):c.1329T>C (p.Ser443=)

Gene: VCL (vinculin; plus strand). Cytogenetic location: 10q22.2.
Variant type: single nucleotide variant.
Coding change: c.1329T>C on transcript NM_014000.3 (MANE Select); coding-DNA position 1329, T replaced by C.
Protein change: p.Ser443=; no amino-acid change (serine 443 retained).
Molecular consequence: synonymous variant.
Genome position (GRCh38, 1-based): chr10:74,090,175, T>C. VCF-style: chr10-74090175-T-C. GRCh37 (hg19) VCF-style: chr10-75849933-T-C.
Other names: c.1329T>C, p.Ser443= (NM_003373.4).
Identifiers: ClinVar variation 757334 (VCV000757334.13), dbSNP rs142350240, ClinGen allele CA5562972.